The following is an entry in ClinVar:

NM_004990.4(MARS1):c.595C>T (p.Arg199Trp)

Gene: MARS1 (methionyl-tRNA synthetase 1; plus strand). Cytogenetic location: 12q13.3.
Variant type: single nucleotide variant.
Coding change: c.595C>T on transcript NM_004990.4 (MANE Select); coding-DNA position 595, C replaced by T.
Protein change: p.Arg199Trp; replaces arginine 199 with tryptophan.
Molecular consequence: missense variant.
Genome position (GRCh38, 1-based): chr12:57,490,311, C>T. VCF-style: chr12-57490311-C-T. GRCh37 (hg19) VCF-style: chr12-57884094-C-T.
Other names: c.595C>T (NM_004990.3); short protein forms R199W.
Identifiers: ClinVar variation 1051981 (VCV001051981.11), dbSNP rs776361792, ClinGen allele CA6650220.

ClinVar aggregate classification (germline): Uncertain significance. Review status: criteria provided, multiple submitters, no conflicts (2 of 4 stars). 4 submissions from 4 submitters: Uncertain significance (4). Last evaluated 2026-01-19.

Conditions:
MARS1-related disorder. Also called: MARS1-related condition.
Charcot-Marie-Tooth disease axonal type 2U. Also called: CHARCOT-MARIE-TOOTH DISEASE, AXONAL, AUTOSOMAL DOMINANT, TYPE 2U; CHARCOT-MARIE-TOOTH NEUROPATHY, TYPE 2U. Identifiers: Orphanet 397735, MedGen C4084821, MONDO:0014566, OMIM 616280.
Severe early-onset pulmonary alveolar proteinosis due to MARS deficiency. Also called: PULMONARY ALVEOLAR PROTEINOSIS, REUNION ISLAND; Interstitial lung and liver disease. Identifiers: Orphanet 440427, MedGen C4225400, MONDO:0014206, OMIM 615486.

Allele frequency attached by ClinVar (database versions not stated): gnomAD 0.00001; TOPMed 0.00002; ExAC 0.00003; gnomAD exomes 0.00003 and 0.00004.
gnomAD v4.1: 39 of 1,612,916 alleles (0.0024%); highest among the groups gnomAD compares: East Asian, 0.0089%; no homozygotes.

Submissions (4):

Labcorp Genetics (formerly Invitae), Labcorp
Classification: Uncertain significance for Charcot-Marie-Tooth disease axonal type 2U; Severe early-onset pulmonary alveolar proteinosis due to MARS deficiency. Last evaluated: 2026-01-19. Review status: criteria provided, single submitter. Criteria: Invitae Variant Classification Sherloc (09022015). Collection method: clinical testing. Allele origin: germline.
Comment: This sequence change replaces arginine, which is basic and polar, with tryptophan, which is neutral and slightly polar, at codon 199 of the MARS protein (p.Arg199Trp). This variant is present in population databases (rs776361792, gnomAD 0.02%). This variant has not been reported in the literature in individuals affected with MARS-related conditions. ClinVar contains an entry for this variant (Variation ID: 1051981). An algorithm developed to predict the effect of missense changes on protein structure and function (PolyPhen-2) suggests that this variant is likely to be disruptive. In summary, the available evidence is currently insufficient to determine the role of this variant in disease. Therefore, it has been classified as a Variant of Uncertain Significance.

Ambry Genetics
Classification: Uncertain significance. Last evaluated: 2025-11-03. Review status: criteria provided, single submitter. Criteria: Ambry Variant Classification Scheme 2023. Collection method: clinical testing. Allele origin: germline.

PreventionGenetics, part of Exact Sciences
Classification: Uncertain significance for MARS1-related condition. Last evaluated: 2025-05-08. Review status: criteria provided, single submitter. Criteria: ACMG Guidelines, 2015. Collection method: clinical testing. Allele origin: germline.
Comment: The MARS1 c.595C>T variant is predicted to result in the amino acid substitution p.Arg199Trp. To our knowledge, this variant has not been reported in the literature. An This variant is reported in 0.016% of alleles in individuals of East Asian descent in gnomAD. An alternate missense change at the same amino acid position (c.596G>A; p.Arg199Gln) has been reported in three family members with slowly progressive motor and sensory neuropathy (Ma et al. 2022. PubMed ID: 35723632). At this time, the clinical significance of this variant is uncertain due to the absence of conclusive functional and genetic evidence.

Kariminejad - Najmabadi Pathology & Genetics Center
Classification: Uncertain significance. Last evaluated: 2021-08-05. Review status: criteria provided, single submitter. Criteria: ACMG Guidelines, 2015. Collection method: clinical testing. Allele origin: germline. Inheritance: Autosomal dominant inheritance. Affected: yes.
Comment: PP3